The following is an entry in ClinVar:

NM_000090.4(COL3A1):c.4078C>A (p.Leu1360Ile)

Gene: COL3A1 (collagen type III alpha 1 chain; plus strand). Cytogenetic location: 2q32.2.
Variant type: single nucleotide variant.
Coding change: c.4078C>A on transcript NM_000090.4 (MANE Select); coding-DNA position 4078, C replaced by A.
Protein change: p.Leu1360Ile; replaces leucine 1360 with isoleucine.
Molecular consequence: missense variant.
Genome position (GRCh38, 1-based): chr2:189,010,714, C>A. VCF-style: chr2-189010714-C-A. GRCh37 (hg19) VCF-style: chr2-189875440-C-A.
Other names: short protein forms L1360I.
Identifiers: ClinVar variation 1898667 (VCV001898667.4), dbSNP rs1354735653, ClinGen allele CA349849336.

ClinVar aggregate classification (germline): Uncertain significance (1 of 4 stars; one submission).

Conditions:
Ehlers-Danlos syndrome, type 4 (EDSVASC). Also called: Ehlers-Danlos syndrome vascular type; Ehlers Danlos syndrome, ecchymotic type; Ehlers Danlos syndrome, arterial type; Ehlers Danlos syndrome, Sack-Barabas type; Ehlers-Danlos Syndrome Type IV. Identifiers: Orphanet 286, MedGen C0268338, MONDO:0017314, OMIM 130050.

Allele frequency attached by ClinVar (database versions not stated): TOPMed below 0.00001.
gnomAD v4.1: 1 of 1,614,154 alleles (0.000062%); highest among the groups gnomAD compares: Non-Finnish European, 0.000085%; no homozygotes.

Submission:

Labcorp Genetics (formerly Invitae), Labcorp
Classification: Uncertain significance for Ehlers-Danlos syndrome, type 4. Last evaluated: 2024-02-03. Review status: criteria provided, single submitter. Criteria: Invitae Variant Classification Sherloc (09022015). Collection method: clinical testing. Allele origin: germline.
Comment: This sequence change replaces leucine, which is neutral and non-polar, with isoleucine, which is neutral and non-polar, at codon 1360 of the COL3A1 protein (p.Leu1360Ile). This variant is not present in population databases (gnomAD no frequency). This variant has not been reported in the literature in individuals affected with COL3A1-related conditions. ClinVar contains an entry for this variant (Variation ID: 1898667). Advanced modeling of protein sequence and biophysical properties (such as structural, functional, and spatial information, amino acid conservation, physicochemical variation, residue mobility, and thermodynamic stability) performed at Invitae indicates that this missense variant is not expected to disrupt COL3A1 protein function with a negative predictive value of 95%. In summary, the available evidence is currently insufficient to determine the role of this variant in disease. Therefore, it has been classified as a Variant of Uncertain Significance.